The following is an entry in ClinVar:

NM_001205293.3(CACNA1E):c.3230T>G (p.Val1077Gly)

Gene: CACNA1E (calcium voltage-gated channel subunit alpha1 E; plus strand). Cytogenetic location: 1q25.3.
Variant type: single nucleotide variant.
Coding change: c.3230T>G on transcript NM_001205293.3 (MANE Select); coding-DNA position 3230, T replaced by G.
Protein change: p.Val1077Gly; replaces valine 1077 with glycine.
Molecular consequence: missense variant.
Genome position (GRCh38, 1-based): chr1:181,733,718, T>G. VCF-style: chr1-181733718-T-G. GRCh37 (hg19) VCF-style: chr1-181702854-T-G.
Other names: c.3230T>G, p.Val1077Gly (NM_000721.4); c.3173T>G, p.Val1058Gly (NM_001205294.2); c.3230T>G (NM_001205293.1); short protein forms V1077G, V1058G.
Identifiers: ClinVar variation 2015233 (VCV002015233.5), dbSNP rs2528715795, ClinGen allele CA343621341.

ClinVar aggregate classification (germline): Uncertain significance. Review status: criteria provided, multiple submitters, no conflicts (2 of 4 stars). 2 submissions from 2 submitters: Uncertain significance (2). Last evaluated 2025-04-25.

Conditions:
Inborn genetic diseases. Identifiers: MedGen C0950123, MeSH D030342.

Submissions (2):

Ambry Genetics
Classification: Uncertain significance for Inborn genetic diseases. Last evaluated: 2025-04-25. Review status: criteria provided, single submitter. Criteria: Ambry Variant Classification Scheme 2023. Collection method: clinical testing. Allele origin: germline.

Labcorp Genetics (formerly Invitae), Labcorp
Classification: Uncertain significance. Last evaluated: 2022-11-03. Review status: criteria provided, single submitter. Criteria: Invitae Variant Classification Sherloc (09022015). Collection method: clinical testing. Allele origin: germline.
Comment: In summary, the available evidence is currently insufficient to determine the role of this variant in disease. Therefore, it has been classified as a Variant of Uncertain Significance. Advanced modeling of protein sequence and biophysical properties (such as structural, functional, and spatial information, amino acid conservation, physicochemical variation, residue mobility, and thermodynamic stability) has been performed at Invitae for this missense variant, however the output from this modeling did not meet the statistical confidence thresholds required to predict the impact of this variant on CACNA1E protein function. This variant has not been reported in the literature in individuals affected with CACNA1E-related conditions. This variant is not present in population databases (gnomAD no frequency). This sequence change replaces valine, which is neutral and non-polar, with glycine, which is neutral and non-polar, at codon 1077 of the CACNA1E protein (p.Val1077Gly).